The following is an entry in ClinVar:

ClinVar aggregate classification (germline): Uncertain significance (1 of 4 stars; one submission).

Conditions:
Short-rib thoracic dysplasia 6 with or without polydactyly (SRTD6). Also called: Majewski Syndrome; SHORT RIB-POLYDACTYLY SYNDROME, TYPE IIA; SHORT-RIB THORACIC DYSPLASIA 6 WITH POLYDACTYLY; SHORT-RIB THORACIC DYSPLASIA 6 WITHOUT POLYDACTYLY; POLYDACTYLY WITH NEONATAL CHONDRODYSTROPHY, TYPE II. Identifiers: MedGen C0024507, MONDO:0009894, OMIM 263520.

Allele frequency attached by ClinVar (database versions not stated): TOPMed below 0.00001.
gnomAD v4.1: 3 of 1,613,862 alleles (0.00019%); highest among the groups gnomAD compares: Non-Finnish European, 0.00025%; no homozygotes.

Submission:

Labcorp Genetics (formerly Invitae), Labcorp
Classification: Uncertain significance for Short-rib thoracic dysplasia 6 with or without polydactyly. Last evaluated: 2022-07-11. Review status: criteria provided, single submitter. Criteria: Invitae Variant Classification Sherloc (09022015). Collection method: clinical testing. Allele origin: germline.
Comment: This variant has not been reported in the literature in individuals affected with NEK1-related conditions. This sequence change replaces glutamine, which is neutral and polar, with histidine, which is basic and polar, at codon 1006 of the NEK1 protein (p.Gln1006His). This variant is not present in population databases (gnomAD no frequency). Advanced modeling of protein sequence and biophysical properties (such as structural, functional, and spatial information, amino acid conservation, physicochemical variation, residue mobility, and thermodynamic stability) performed at Invitae indicates that this missense variant is not expected to disrupt NEK1 protein function. In summary, the available evidence is currently insufficient to determine the role of this variant in disease. Therefore, it has been classified as a Variant of Uncertain Significance.

NM_001199397.3(NEK1):c.3102G>T (p.Gln1034His)

Gene: NEK1 (NIMA related kinase 1; minus strand). Cytogenetic location: 4q33.
Variant type: single nucleotide variant.
Coding change: c.3102G>T on transcript NM_001199397.3 (MANE Select); coding-DNA position 3102, G replaced by T.
Protein change: p.Gln1034His; replaces glutamine 1034 with histidine.
Molecular consequence: missense variant. On other transcripts: non-coding transcript variant (1).
Genome position (GRCh38, 1-based): chr4:169,424,673, C>A on the plus strand (G>T on the coding strand, the complement: NEK1 is on the minus strand). VCF-style: chr4-169424673-C-A. GRCh37 (hg19) VCF-style: chr4-170345824-C-A.
Other names: c.2970G>T, p.Gln990His (NM_001199398.3); c.2811G>T, p.Gln937His (NM_001199399.3); c.2886G>T, p.Gln962His (NM_001199400.3); c.3102G>T, p.Gln1034His (NM_001374418.1); c.3018G>T, p.Gln1006His (NM_001374419.1, NM_012224.4); c.2967G>T, p.Gln989His (NM_001374420.1); c.2619G>T, p.Gln873His (NM_001374421.1); short protein forms Q989H, Q1034H, Q873H, Q962H, Q937H, Q990H, Q1006H.
Identifiers: ClinVar variation 2016031 (VCV002016031.4), dbSNP rs1736063242, ClinGen allele CA358801360.
Genomic context (GRCh38, chr4:169,424,673, plus strand): 5'-TTTATTTTTTGGTGGTAAATGCGAGTGAGATCGAAATGCAAAGGATTCTTCTGGTGAACA[C>A]TGAACTGATTGAACTTGAGGGACTAAGTTCAAGTGTTCAGAATGAACCACCTTATGGAAA-3'
Protein context (NP_001186326.1, residues 1024-1044): LNLVPQVQSV[Gln1034His]CSPEESFAFR